The following is an entry in ClinVar:

ClinVar aggregate classification (germline): Uncertain significance. Review status: criteria provided, multiple submitters, no conflicts (2 of 4 stars). 3 submissions from 3 submitters: Uncertain significance (3). Last evaluated 2024-02-28.

Conditions:
Inborn genetic diseases. Identifiers: MedGen C0950123, MeSH D030342.

Allele frequency attached by ClinVar (database versions not stated): ExAC 0.00005.

Submissions (3):

Ambry Genetics
Classification: Uncertain significance for Inborn genetic diseases. Last evaluated: 2024-02-28. Review status: criteria provided, single submitter. Criteria: Ambry Variant Classification Scheme 2023. Collection method: clinical testing. Allele origin: germline.

Blueprint Genetics
Classification: Uncertain significance. Last evaluated: 2022-11-19. Review status: criteria provided, single submitter. Criteria: ACMG Guidelines, 2015. Collection method: clinical testing. Allele origin: germline.

Labcorp Genetics (formerly Invitae), Labcorp
Classification: Uncertain significance. Last evaluated: 2022-05-24. Review status: criteria provided, single submitter. Criteria: Invitae Variant Classification Sherloc (09022015). Collection method: clinical testing. Allele origin: germline.
Comment: This sequence change replaces arginine, which is basic and polar, with histidine, which is basic and polar, at codon 330 of the PISD protein (p.Arg330His). This variant is present in population databases (rs369296426, gnomAD 0.05%). This variant has not been reported in the literature in individuals affected with PISD-related conditions. Algorithms developed to predict the effect of missense changes on protein structure and function are either unavailable or do not agree on the potential impact of this missense change (SIFT: "Not Available"; PolyPhen-2: "Probably Damaging"; Align-GVGD: "Not Available"). In summary, the available evidence is currently insufficient to determine the role of this variant in disease. Therefore, it has been classified as a Variant of Uncertain Significance.

NM_001326411.2(PISD):c.989G>A (p.Arg330His)

Gene: PISD (phosphatidylserine decarboxylase; minus strand). Cytogenetic location: 22q12.2.
Variant type: single nucleotide variant.
Coding change: c.989G>A on transcript NM_001326411.2 (MANE Select); coding-DNA position 989, G replaced by A.
Protein change: p.Arg330His; replaces arginine 330 with histidine.
Molecular consequence: missense variant. On other transcripts: intron variant (1).
Genome position (GRCh38, 1-based): chr22:31,620,569, C>T on the plus strand (G>A on the coding strand, the complement: PISD is on the minus strand). VCF-style: chr22-31620569-C-T. GRCh37 (hg19) VCF-style: chr22-32016555-C-T.
Other names: c.926G>A, p.Arg309His (NM_001326412.1, NM_001326413.2, NM_001326414.2); c.887G>A, p.Arg296His (NM_001326415.2, NM_001326416.2, NM_001326417.2 and 2 more transcripts); c.809G>A, p.Arg270His (NM_001326418.2); c.773G>A, p.Arg258His (NM_001326419.2); c.695G>A, p.Arg232His (NM_001326420.2); c.844+427G>A (NM_001326421.1); c.887G>A (NM_014338.3); short protein forms R232H, R309H, R270H, R330H, R258H, R296H.
Identifiers: ClinVar variation 2042891 (VCV002042891.3), dbSNP rs369296426, ClinGen allele CA10194579.